The following is an entry in ClinVar:

NM_020937.4(FANCM):c.22C>A (p.Leu8Ile)

Gene: FANCM (FA complementation group M; plus strand). Cytogenetic location: 14q21.2.
Variant type: single nucleotide variant.
Coding change: c.22C>A on transcript NM_020937.4 (MANE Select); coding-DNA position 22, C replaced by A.
Protein change: p.Leu8Ile; replaces leucine 8 with isoleucine.
Molecular consequence: missense variant.
Genome position (GRCh38, 1-based): chr14:45,136,053, C>A. VCF-style: chr14-45136053-C-A. GRCh37 (hg19) VCF-style: chr14-45605256-C-A.
Other names: c.22C>A, p.Leu8Ile (NM_001308133.2, NM_001308134.2); short protein forms L8I.
Identifiers: ClinVar variation 5036581 (VCV005036581.1).

ClinVar aggregate classification (germline): Uncertain significance (1 of 4 stars; one submission).

Conditions:
Inborn genetic diseases. Identifiers: MedGen C0950123, MeSH D030342.

gnomAD v4.1: 1 of 1,613,688 alleles (0.000062%); highest among the groups gnomAD compares: South Asian, 0.0011%; no homozygotes.

Submission:

Ambry Genetics
Classification: Uncertain significance for Inborn genetic diseases. Last evaluated: 2026-06-26. Review status: criteria provided, single submitter. Criteria: Ambry Variant Classification Scheme 2023. Collection method: clinical testing. Allele origin: germline.
Comment: The p.L8I variant (also known as c.22C>A), located in coding exon 1 of the FANCM gene, results from a C to A substitution at nucleotide position 22. The leucine at codon 8 is replaced by isoleucine, an amino acid with highly similar properties. This amino acid position is conserved. In addition, this alteration is predicted to be tolerated by in silico analysis. Based on the available evidence, the clinical significance of this variant remains unclear.